The following is an entry in ClinVar:

ClinVar aggregate classification (germline): Uncertain significance (1 of 4 stars; one submission).

Conditions:
Autosomal recessive limb-girdle muscular dystrophy type 2Y (MRRSDC). Also called: Muscular dystrophy, limb-girdle, type 2y; Muscular dystrophy, autosomal recessive, with rigid spine and distal joint contractures. Identifiers: Orphanet 424261, MedGen C4511482, MONDO:0014900, OMIM 617072.

gnomAD v4.1: 2 of 1,513,346 alleles (0.00013%); highest among the groups gnomAD compares: Non-Finnish European, 0.00018%; no homozygotes.

Submission:

Labcorp Genetics (formerly Invitae), Labcorp
Classification: Uncertain significance for Autosomal recessive limb-girdle muscular dystrophy type 2Y. Last evaluated: 2019-12-17. Review status: criteria provided, single submitter. Criteria: Invitae Variant Classification Sherloc (09022015). Collection method: clinical testing. Allele origin: germline.
Comment: This sequence change replaces arginine with glycine at codon 22 of the TOR1AIP1 protein (p.Arg22Gly). The arginine residue is weakly conserved and there is a moderate physicochemical difference between arginine and glycine. This variant is not present in population databases (ExAC no frequency). This variant has not been reported in the literature in individuals with TOR1AIP1-related conditions. Algorithms developed to predict the effect of missense changes on protein structure and function are either unavailable or do not agree on the potential impact of this missense change (SIFT: "Deleterious"; PolyPhen-2: "Probably Damaging"; Align-GVGD: "Class C0"). In summary, the available evidence is currently insufficient to determine the role of this variant in disease. Therefore, it has been classified as a Variant of Uncertain Significance.

NM_015602.4(TOR1AIP1):c.64A>G (p.Arg22Gly)

Genes: TOR1AIP1 (torsin 1A interacting protein 1; plus strand), LOC112577517 (Sharpr-MPRA regulatory region 13766; plus strand). Cytogenetic location: 1q25.2.
Variant type: single nucleotide variant.
Coding change: c.64A>G on transcript NM_015602.4 (MANE Select); coding-DNA position 64, A replaced by G.
Protein change: p.Arg22Gly; replaces arginine 22 with glycine.
Molecular consequence: missense variant.
Genome position (GRCh38, 1-based): chr1:179,882,566, A>G. VCF-style: chr1-179882566-A-G. GRCh37 (hg19) VCF-style: chr1-179851701-A-G.
Other names: c.64A>G, p.Arg22Gly (NM_001267578.2); short protein forms R22G.
Identifiers: ClinVar variation 841819 (VCV000841819.12), dbSNP rs1647739818, ClinGen allele CA343577575.
Genomic context (GRCh38, chr1:179,882,566, plus strand): 5'-GCGGGCGACGGGCGGCGGGCAGAGGCGGTGCGGGAAGGATGGGGTGTGTACGTCACCCCC[A>G]GGGCCCCCATCCGAGAGGGAAGGGGCCGGCTCGCCCCTCAAAATGGCGGCAGCAGCGATG-3'
Protein context (NP_056417.2, residues 12-32): REGWGVYVTP[Arg22Gly]APIREGRGRL